The following is an entry in ClinVar:

NM_002691.4(POLD1):c.1636C>A (p.Leu546Met)

Gene: POLD1 (DNA polymerase delta 1, catalytic subunit; plus strand). Cytogenetic location: 19q13.33.
Variant type: single nucleotide variant.
Coding change: c.1636C>A on transcript NM_002691.4 (MANE Select); coding-DNA position 1636, C replaced by A.
Protein change: p.Leu546Met; replaces leucine 546 with methionine.
Molecular consequence: missense variant. On other transcripts: non-coding transcript variant (1).
Genome position (GRCh38, 1-based): chr19:50,407,124, C>A. VCF-style: chr19-50407124-C-A. GRCh37 (hg19) VCF-style: chr19-50910381-C-A.
Other names: c.1636C>A, p.Leu546Met (NM_001256849.1, NM_001308632.1, NM_001438210.1 and 3 more transcripts); short protein forms L546M.
Identifiers: ClinVar variation 4842874 (VCV004842874.1).

ClinVar aggregate classification (germline): Uncertain significance (1 of 4 stars; one submission).

Conditions:
Hereditary cancer-predisposing syndrome. Also called: Neoplastic Syndromes, Hereditary; Tumor predisposition; Hereditary Cancer Syndrome; Hereditary neoplastic syndrome. Identifiers: Orphanet 140162, MedGen C0027672, MeSH D009386, MONDO:0015356.

Submission:

Ambry Genetics
Classification: Uncertain significance for Hereditary cancer-predisposing syndrome. Last evaluated: 2026-02-28. Review status: criteria provided, single submitter. Criteria: Ambry Variant Classification Scheme 2023. Collection method: clinical testing. Allele origin: germline.
Comment: The p.L546M variant (also known as c.1636C>A), located in coding exon 12 of the POLD1 gene, results from a C to A substitution at nucleotide position 1636. The leucine at codon 546 is replaced by methionine, an amino acid with highly similar properties. This amino acid position is conserved. In addition, the in silico prediction for this alteration is inconclusive. Based on the available evidence, the clinical significance of this variant remains unclear.